The following is an entry in ClinVar:

NM_000256.3(MYBPC3):c.2908C>T (p.Arg970Trp)

Gene: MYBPC3 (myosin binding protein C3; minus strand). Cytogenetic location: 11p11.2.
Variant type: single nucleotide variant.
Coding change: c.2908C>T on transcript NM_000256.3 (MANE Select); coding-DNA position 2908, C replaced by T.
Protein change: p.Arg970Trp; replaces arginine 970 with tryptophan.
Molecular consequence: missense variant.
Genome position (GRCh38, 1-based): chr11:47,334,008, G>A on the plus strand (C>T on the coding strand, the complement: MYBPC3 is on the minus strand). VCF-style: chr11-47334008-G-A. GRCh37 (hg19) VCF-style: chr11-47355559-G-A.
Other names: c.2908C>T, p.Arg970Trp (LRG_386t1); short protein forms R970W.
Identifiers: ClinVar variation 180411 (VCV000180411.28), dbSNP rs730880138, ClinGen allele CA013166.

ClinVar aggregate classification (germline): Uncertain significance. Review status: criteria provided, multiple submitters, no conflicts (2 of 4 stars). 9 submissions from 9 submitters: Uncertain significance (8). 1 of the submissions does not count toward it. Last evaluated 2025-11-24.

Conditions:
MYBPC3-related disorder. Also called: MYBPC3-related condition; MYBPC3-related disease; MYBPC3-related disorders.
Cardiovascular phenotype. Identifiers: MedGen CN230736.
Cardiomyopathy (CMYO). Also called: Cardiomyopathies. Identifiers: Orphanet 167848, MedGen C0878544, MONDO:0004994, HP:0001638. Inheritance: Various modes of inheritance.
Hypertrophic cardiomyopathy. Also called: HYPERTROPHIC MYOCARDIOPATHY. Identifiers: Orphanet 217569, MedGen C0007194, MeSH D002312, MONDO:0005045, HP:0001639.

Allele frequency attached by ClinVar (database versions not stated): gnomAD exomes 0.00001; TOPMed 0.00002; gnomAD 0.00003; ExAC 0.00007.

Submissions (9):

Ambry Genetics
Classification: Uncertain significance for Cardiovascular phenotype. Last evaluated: 2025-11-24. Review status: criteria provided, single submitter. Criteria: Ambry Variant Classification Scheme 2023. Collection method: clinical testing. Allele origin: germline.
Comment: The p.R970W variant (also known as c.2908C>T), located in coding exon 28 of the MYBPC3 gene, results from a C to T substitution at nucleotide position 2908. The arginine at codon 970 is replaced by tryptophan, an amino acid with dissimilar properties. This alteration has been reported in hypertrophic cardiomyopathy (HCM) cohorts (Berge KE et al. Clin Genet, 2014 Oct;86:355-60; Mazzarotto F et al. Genet Med, 2019 Feb;21:284-292; Allouba M et al. Eur Heart J, 2023 Dec;44:5146-5158). This amino acid position is well conserved in available vertebrate species. In addition, this alteration is predicted to be tolerated by in silico analysis. Based on the available evidence, the clinical significance of this alteration remains unclear.

Labcorp Genetics (formerly Invitae), Labcorp
Classification: Uncertain significance for Hypertrophic cardiomyopathy. Last evaluated: 2025-08-30. Review status: criteria provided, single submitter. Criteria: Invitae Variant Classification Sherloc (09022015). Collection method: clinical testing. Allele origin: germline.
Comment: This sequence change replaces arginine, which is basic and polar, with tryptophan, which is neutral and slightly polar, at codon 970 of the MYBPC3 protein (p.Arg970Trp). The frequency data for this variant in the population databases is considered unreliable, as metrics indicate poor data quality at this position in the gnomAD database. This missense change has been observed in individual(s) with clinical features of MYBPC3-related conditions (PMID: 24111713, 32841044, 33673806, 33782553, 36140281, 37652022). ClinVar contains an entry for this variant (Variation ID: 180411). An algorithm developed to predict the effect of missense changes on protein structure and function (PolyPhen-2) suggests that this variant is likely to be disruptive. In summary, the available evidence is currently insufficient to determine the role of this variant in disease. Therefore, it has been classified as a Variant of Uncertain Significance.

Blueprint Genetics
Classification: Uncertain significance. Last evaluated: 2024-09-17. Review status: criteria provided, single submitter. Criteria: ACMG Guidelines, 2015. Collection method: clinical testing. Allele origin: germline.

All of Us Research Program, National Institutes of Health
Classification: Uncertain significance for Hypertrophic cardiomyopathy. Last evaluated: 2024-07-29. Review status: criteria provided, single submitter. Criteria: ACMG Guidelines, 2015. Collection method: clinical testing. Allele origin: germline. Inheritance: Autosomal dominant inheritance. Observed: 9 variant alleles, 9 heterozygotes.
Comment: This missense variant replaces arginine with tryptophan at codon 970 of the MYBPC3 protein. Computational prediction tools indicate that this variant has a deleterious impact on protein structure and function. To our knowledge, functional studies have not been reported for this variant. This variant has been reported in heterozygous state in individuals affected with hypertrophic cardiomyopathy (PMID: 24111713, 32841044, 33673806, 33782553, 36140281, 37431535). Two of these individuals also carried different pathogenic truncation variants in the same gene (PMID: 24111713, 36140281). This variant has also been reported in homozygous state in an individual affected with hypertrophic cardiomyopathy and in an unaffected individual (PMID: 37431535). This variant has not been identified in the general population by the Genome Aggregation Database (gnomAD). The available evidence is insufficient to determine the role of this variant in disease conclusively. Therefore, this variant is classified as a Variant of Uncertain Significance.

This study involves interpretation of variants in research participants for the purpose of population health screening. Participant phenotype was not available at the time of variant classification. Additional details can be found in publication PMID: 35346344, PMCID: PMC8962531

Color Diagnostics, LLC DBA Color Health
Classification: Uncertain significance for Cardiomyopathy. Last evaluated: 2024-07-18. Review status: criteria provided, single submitter. Criteria: ACMG Guidelines, 2015. Collection method: clinical testing. Allele origin: germline.
Comment: This missense variant replaces arginine with tryptophan at codon 970 of the MYBPC3 protein. Computational prediction tools indicate that this variant has a deleterious impact on protein structure and function. To our knowledge, functional studies have not been reported for this variant. This variant has been reported in heterozygous state in individuals affected with hypertrophic cardiomyopathy (PMID: 24111713, 32841044, 33673806, 33782553, 36140281, 37431535). Two of these individuals also carried different pathogenic truncation variants in the same gene (PMID: 24111713, 36140281). This variant has also been reported in homozygous state in an individual affected with hypertrophic cardiomyopathy and in an unaffected individual (PMID: 37431535). This variant has not been identified in the general population by the Genome Aggregation Database (gnomAD). The available evidence is insufficient to determine the role of this variant in disease conclusively. Therefore, this variant is classified as a Variant of Uncertain Significance.

Clinical Genetics Laboratory, Skane University Hospital Lund
Classification: Uncertain significance. Last evaluated: 2022-05-27. Review status: criteria provided, single submitter. Criteria: ACMG Guidelines, 2015. Collection method: clinical testing. Allele origin: germline. Affected: yes.

GeneDx
Classification: Uncertain significance. Last evaluated: 2019-04-22. Review status: criteria provided, single submitter. Criteria: GeneDx Variant Classification Process June 2021. Collection method: clinical testing. Allele origin: germline. Affected: yes.
Comment: In silico analysis, which includes protein predictors and evolutionary conservation, supports a deleterious effect; Not observed in large population cohorts (Lek et al., 2016); This variant is associated with the following publications: (PMID: 33673806, 31589614, 24111713)

CHEO Genetics Diagnostic Laboratory, Children's Hospital of Eastern Ontario
Classification: Uncertain significance for Cardiomyopathy. Last evaluated: 2018-01-30. Review status: criteria provided, single submitter. Criteria: ACMG Guidelines, 2015. Collection method: clinical testing. Allele origin: germline.

PreventionGenetics, part of Exact Sciences
Classification: Uncertain significance for MYBPC3-related condition. Last evaluated: 2024-08-09. Review status: no assertion criteria provided. Collection method: clinical testing. Allele origin: germline. Not counted in ClinVar's aggregate classification.
Comment: The MYBPC3 c.2908C>T variant is predicted to result in the amino acid substitution p.Arg970Trp. This variant has been reported in an individual with hypertrophic cardiomyopathy; however, the patient also carried a known pathogenic nonsense variant in MYBPC3 (Berge and Leren. 2014. PubMed ID: 24111713). This variant was also reported in individuals with suspected or confirmed diagnosis of hypertrophic cardiomyopathy, though it was found in multiple individuals in a population cohort with unknown phenotype as well (Additional File 2, Hathaway et al. 2021. PubMed ID: 33673806; Supplementary Table S10, Stava et al. 2022. PubMed ID: 35653365; Table S8, McGurk et al. 2023. PubMed ID: 37652022). This variant is reported in 0.0082% of alleles in individuals of South Asian descent in gnomAD. At this time, the clinical significance of this variant is uncertain due to the absence of conclusive functional and genetic evidence.

Literature cited by the submitters: PubMed 24111713 (cited by 4 submitters); PubMed 29420653 (cited by Ambry Genetics); PubMed 29875424 (cited by Ambry Genetics); PubMed 32841044 (cited by 4 submitters); PubMed 35629155 (cited by Ambry Genetics); PubMed 37431535 (cited by 3 submitters); PubMed 33673806 (cited by 3 submitters); PubMed 33782553 (cited by 3 submitters); PubMed 36140281 (cited by 3 submitters); PubMed 37652022 (cited by Labcorp Genetics (formerly Invitae), Labcorp).